The following is an entry in ClinVar:

NM_015178.3(RHOBTB2):c.290A>G (p.Tyr97Cys)

Gene: RHOBTB2 (Rho related BTB domain containing 2; plus strand). Cytogenetic location: 8p21.3.
Variant type: single nucleotide variant.
Coding change: c.290A>G on transcript NM_015178.3 (MANE Select); coding-DNA position 290, A replaced by G.
Protein change: p.Tyr97Cys; replaces tyrosine 97 with cysteine.
Molecular consequence: missense variant.
Genome position (GRCh38, 1-based): chr8:23,005,469, A>G. VCF-style: chr8-23005469-A-G. GRCh37 (hg19) VCF-style: chr8-22862982-A-G.
Other names: c.356A>G, p.Tyr119Cys (NM_001160036.2); c.311A>G, p.Tyr104Cys (NM_001160037.2); c.290A>G, p.Tyr97Cys (NM_001374791.1); short protein forms Y104C, Y97C, Y119C.
Identifiers: ClinVar variation 2753444 (VCV002753444.3), dbSNP rs2486999084, ClinGen allele CA370560655.

ClinVar aggregate classification (germline): Uncertain significance (1 of 4 stars; one submission).

Submission:

Labcorp Genetics (formerly Invitae), Labcorp
Classification: Uncertain significance. Last evaluated: 2023-08-17. Review status: criteria provided, single submitter. Criteria: Invitae Variant Classification Sherloc (09022015). Collection method: clinical testing. Allele origin: germline.
Comment: This sequence change replaces tyrosine, which is neutral and polar, with cysteine, which is neutral and slightly polar, at codon 119 of the RHOBTB2 protein (p.Tyr119Cys). In summary, the available evidence is currently insufficient to determine the role of this variant in disease. Therefore, it has been classified as a Variant of Uncertain Significance. Advanced modeling of protein sequence and biophysical properties (such as structural, functional, and spatial information, amino acid conservation, physicochemical variation, residue mobility, and thermodynamic stability) has been performed at Invitae for this missense variant, however the output from this modeling did not meet the statistical confidence thresholds required to predict the impact of this variant on RHOBTB2 protein function. This variant has not been reported in the literature in individuals affected with RHOBTB2-related conditions. This variant is not present in population databases (gnomAD no frequency).